The following is an entry in ClinVar:

NM_024652.6(LRRK1):c.1558C>T (p.Arg520Cys)

Genes: LRRK1 (leucine rich repeat kinase 1; plus strand), LOC125146368 (Sharpr-MPRA regulatory region 13394; plus strand). Cytogenetic location: 15q26.3.
Variant type: single nucleotide variant.
Coding change: c.1558C>T on transcript NM_024652.6 (MANE Select); coding-DNA position 1558, C replaced by T.
Protein change: p.Arg520Cys; replaces arginine 520 with cysteine.
Molecular consequence: missense variant.
Genome position (GRCh38, 1-based): chr15:101,015,351, C>T. VCF-style: chr15-101015351-C-T. GRCh37 (hg19) VCF-style: chr15-101555556-C-T.
Other names: short protein forms R520C.
Identifiers: ClinVar variation 1432309 (VCV001432309.6), dbSNP rs774941330, ClinGen allele CA7760934.

ClinVar aggregate classification (germline): Uncertain significance (1 of 4 stars; one submission).

Allele frequency attached by ClinVar (database versions not stated): gnomAD exomes below 0.00001 and 0.00001; ExAC 0.00001.

Submission:

Labcorp Genetics (formerly Invitae), Labcorp
Classification: Uncertain significance. Last evaluated: 2022-09-01. Review status: criteria provided, single submitter. Criteria: Invitae Variant Classification Sherloc (09022015). Collection method: clinical testing. Allele origin: germline.
Comment: In summary, the available evidence is currently insufficient to determine the role of this variant in disease. Therefore, it has been classified as a Variant of Uncertain Significance. Algorithms developed to predict the effect of missense changes on protein structure and function are either unavailable or do not agree on the potential impact of this missense change (SIFT: "Deleterious"; PolyPhen-2: "Possibly Damaging"; Align-GVGD: "Class C0"). ClinVar contains an entry for this variant (Variation ID: 1432309). This variant has not been reported in the literature in individuals affected with LRRK1-related conditions. This variant is present in population databases (rs774941330, gnomAD 0.006%). This sequence change replaces arginine, which is basic and polar, with cysteine, which is neutral and slightly polar, at codon 520 of the LRRK1 protein (p.Arg520Cys).